The following is an entry in ClinVar:

NM_000530.8(MPZ):c.601A>T (p.Lys201Ter)

Gene: MPZ (myelin protein zero; minus strand). Cytogenetic location: 1q23.3.
Variant type: single nucleotide variant.
Coding change: c.601A>T on transcript NM_000530.8 (MANE Select); coding-DNA position 601, A replaced by T.
Protein change: p.Lys201Ter; replaces lysine 201 with a stop codon.
Molecular consequence: nonsense.
Genome position (GRCh38, 1-based): chr1:161,306,152, T>A on the plus strand (A>T on the coding strand, the complement: MPZ is on the minus strand). VCF-style: chr1-161306152-T-A. GRCh37 (hg19) VCF-style: chr1-161275942-T-A.
Other names: c.601A>T, p.Lys201Ter (NM_001315491.2); short protein forms K201*.
Identifiers: ClinVar variation 2016722 (VCV002016722.4), dbSNP rs2526234318, ClinGen allele CA343344912.

ClinVar aggregate classification (germline): Pathogenic (1 of 4 stars; one submission).

Conditions:
Charcot-Marie-Tooth disease, type I (CMT1). Also called: Charcot-Marie-Tooth, Type 1; Charcot-Marie-Tooth disease type 1. Identifiers: Orphanet 65753, MedGen C0751036, MONDO:0019011.

Submission:

Labcorp Genetics (formerly Invitae), Labcorp
Classification: Pathogenic for Charcot-Marie-Tooth disease, type I. Last evaluated: 2022-07-13. Review status: criteria provided, single submitter. Criteria: Invitae Variant Classification Sherloc (09022015). Collection method: clinical testing. Allele origin: germline.
Comment: This variant disrupts a region of the MPZ protein in which other variant(s) (p.Lys236del) have been determined to be pathogenic (PMID: 12207932, 15716547). This suggests that this is a clinically significant region of the protein, and that variants that disrupt it are likely to be disease-causing. For these reasons, this variant has been classified as Pathogenic. This variant has not been reported in the literature in individuals affected with MPZ-related conditions. This variant is not present in population databases (gnomAD no frequency). This sequence change creates a premature translational stop signal (p.Lys201*) in the MPZ gene. While this is not anticipated to result in nonsense mediated decay, it is expected to disrupt the last 48 amino acid(s) of the MPZ protein.

Literature cited by the submitters: PubMed 12207932; PubMed 15716547.